The following is an entry in ClinVar:

NM_001128840.3(CACNA1D):c.5255C>T (p.Thr1752Ile)

Gene: CACNA1D (calcium voltage-gated channel subunit alpha1 D; plus strand). Cytogenetic location: 3p21.1.
Variant type: single nucleotide variant.
Coding change: c.5255C>T on transcript NM_001128840.3 (MANE Select); coding-DNA position 5255, C replaced by T.
Protein change: p.Thr1752Ile; replaces threonine 1752 with isoleucine.
Molecular consequence: missense variant.
Genome position (GRCh38, 1-based): chr3:53,801,272, C>T. VCF-style: chr3-53801272-C-T. GRCh37 (hg19) VCF-style: chr3-53835299-C-T.
Other names: c.5315C>T, p.Thr1772Ile (NM_000720.4); c.5210C>T, p.Thr1737Ile (NM_001128839.3); c.5315C>T (NM_000720.3); short protein forms T1772I, T1737I, T1752I.
Identifiers: ClinVar variation 226476 (VCV000226476.18), dbSNP rs201147414, ClinGen allele CA2455090.

ClinVar aggregate classification (germline): Benign/Likely benign. Review status: criteria provided, multiple submitters, no conflicts (2 of 4 stars). 6 submissions from 6 submitters: Benign (4); Likely benign (1). 1 of the submissions does not count toward it. Last evaluated 2026-01-19.

Conditions:
CACNA1D-related disorder.
Aldosterone-producing adenoma with seizures and neurological abnormalities. Also called: Primary aldosteronism, seizures, and neurologic abnormalities. Identifiers: Orphanet 369929, MedGen C3809609, MONDO:0014200, OMIM 615474.

Allele frequency attached by ClinVar (database versions not stated): gnomAD 0.00001 and 0.00026; TOPMed 0.00004; 1000 Genomes Project 30x 0.00156; 1000 Genomes Project 0.00180.
gnomAD v4.1: 731 of 1,614,118 alleles (0.045%); highest among the groups gnomAD compares: South Asian, 0.77%; 8 homozygotes.

Submissions (6):

Labcorp Genetics (formerly Invitae), Labcorp
Classification: Benign. Last evaluated: 2026-01-19. Review status: criteria provided, single submitter. Criteria: Invitae Variant Classification Sherloc (09022015). Collection method: clinical testing. Allele origin: germline.

Blueprint Genetics
Classification: Likely benign. Last evaluated: 2024-11-26. Review status: criteria provided, single submitter. Criteria: ACMG Guidelines, 2015. Collection method: clinical testing. Allele origin: germline.

KCCC/NGS Laboratory, Kuwait Cancer Control Center
Classification: Benign for Aldosterone-producing adenoma with seizures and neurological abnormalities. Last evaluated: 2023-07-07. Review status: criteria provided, single submitter. Criteria: ACMG Guidelines, 2015. Collection method: clinical testing. Allele origin: germline. Affected: yes.

GeneDx
Classification: Benign. Last evaluated: 2020-11-19. Review status: criteria provided, single submitter. Criteria: GeneDx Variant Classification Process June 2021. Collection method: clinical testing. Allele origin: germline. Affected: yes.

Laboratory for Molecular Medicine, Mass General Brigham Personalized Medicine
Classification: Benign. Last evaluated: 2016-02-18. Review status: criteria provided, single submitter. Criteria: LMM Criteria. Collection method: clinical testing. Allele origin: germline. Observed: 1 variant allele.
Comment: p.Thr1772Ile in exon 43 of CACNA1D: This variant is not expected to have clinica l significance because it has been identified in 0.7% (110/16512) of South Asian chromosomes by the Exome Aggregation Consortium (ExAC; dbSNP rs201147414).

PreventionGenetics, part of Exact Sciences
Classification: Benign for CACNA1D-related condition. Last evaluated: 2024-01-16. Review status: no assertion criteria provided. Collection method: clinical testing. Allele origin: germline. Not counted in ClinVar's aggregate classification.
Comment: This variant is classified as benign based on ACMG/AMP sequence variant interpretation guidelines (Richards et al. 2015 PMID: 25741868, with internal and published modifications).